The following is an entry in ClinVar:

ClinVar aggregate classification (germline): Pathogenic/Likely pathogenic. Review status: criteria provided, multiple submitters, no conflicts (2 of 4 stars). 4 submissions from 4 submitters: Pathogenic (1); Likely pathogenic (3). Last evaluated 2025-10-05.

Conditions:
Autosomal recessive osteopetrosis 1. Also called: TCIRG1-Related Autosomal Recessive Osteopetrosis; ALBERS-SCHONBERG DISEASE, AUTOSOMAL RECESSIVE; TCIRG1-Related Osteopetrosis. Identifiers: Orphanet 667, MedGen C1850127, MONDO:0009815, OMIM 259700.

Allele frequency attached by ClinVar (database versions not stated): gnomAD 0.00001.

Submissions (4):

Labcorp Genetics (formerly Invitae), Labcorp
Classification: Pathogenic. Last evaluated: 2025-10-05. Review status: criteria provided, single submitter. Criteria: Invitae Variant Classification Sherloc (09022015). Collection method: clinical testing. Allele origin: germline.
Comment: This sequence change creates a premature translational stop signal (p.Gln263*) in the TCIRG1 gene. It is expected to result in an absent or disrupted protein product. Loss-of-function variants in TCIRG1 are known to be pathogenic (PMID: 10888887, 10942435, 11532986, 19448635). This variant is not present in population databases (gnomAD no frequency). This variant has not been reported in the literature in individuals affected with TCIRG1-related conditions. ClinVar contains an entry for this variant (Variation ID: 1400096). For these reasons, this variant has been classified as Pathogenic.

Natera, Inc.
Classification: Likely pathogenic for Infantile malignant osteopetrosis. Last evaluated: 2024-05-16. Review status: criteria provided, single submitter. Criteria: Natera Variant Classification Schema (03/2026). Collection method: clinical testing. Allele origin: germline.
Comment: The c.787C>T variant in TCIRG1 is a nonsense variant predicted to introduce a stop codon at amino acid 263. This variant is expected to result in nonsense mediated decay, truncation, or a dysfunctional protein product. This variant is rare in the general population with a frequency below the threshold expected for the associated phenotype(s). Given the available evidence, this variant is classified as Likely Pathogenic.

Fulgent Genetics
Classification: Likely pathogenic for Autosomal recessive osteopetrosis 1. Last evaluated: 2024-03-27. Review status: criteria provided, single submitter. Criteria: ACMG Guidelines, 2015. Collection method: clinical testing. Allele origin: germline.

Baylor Genetics
Classification: Likely pathogenic for Autosomal recessive osteopetrosis 1. Last evaluated: 2022-11-05. Review status: criteria provided, single submitter. Criteria: ACMG Guidelines, 2015. Collection method: clinical testing. Allele origin: unknown.

Literature cited by the submitters: PubMed 10888887 (cited by Labcorp Genetics (formerly Invitae), Labcorp); PubMed 10942435 (cited by Labcorp Genetics (formerly Invitae), Labcorp); PubMed 11532986 (cited by Labcorp Genetics (formerly Invitae), Labcorp); PubMed 19448635 (cited by Labcorp Genetics (formerly Invitae), Labcorp).

NM_006019.4(TCIRG1):c.787C>T (p.Gln263Ter)

Gene: TCIRG1 (T cell immune regulator 1, ATPase H+ transporting V0 subunit a3; plus strand). Cytogenetic location: 11q13.2.
Variant type: single nucleotide variant.
Coding change: c.787C>T on transcript NM_006019.4 (MANE Select); coding-DNA position 787, C replaced by T.
Protein change: p.Gln263Ter; replaces glutamine 263 with a stop codon.
Molecular consequence: nonsense. On other transcripts: 5 prime UTR variant (1).
Genome position (GRCh38, 1-based): chr11:68,043,887, C>T. VCF-style: chr11-68043887-C-T. GRCh37 (hg19) VCF-style: chr11-67811354-C-T.
Other names: c.787C>T (NM_006019.3); c.-108C>T (NM_001351059.2); c.139C>T, p.Gln47Ter (NM_006053.4); short protein forms Q263*, Q47*.
Identifiers: ClinVar variation 1400096 (VCV001400096.9), dbSNP rs1003722483, ClinGen allele CA224204321.